The following is an entry in ClinVar:

ClinVar aggregate classification (germline): Uncertain significance (1 of 4 stars; one submission).

Conditions:
AK2-related disorder. Also called: AK2-related condition.

gnomAD v4.1: 5 of 1,614,122 alleles (0.00031%); highest among the groups gnomAD compares: Non-Finnish European, 0.00042%; no homozygotes.

Submission:

PreventionGenetics, part of Exact Sciences
Classification: Uncertain significance for AK2-related condition. Last evaluated: 2024-11-21. Review status: criteria provided, single submitter. Criteria: ACMG Guidelines, 2015. Collection method: clinical testing. Allele origin: germline.
Comment: The AK2 c.385A>G variant is predicted to result in the amino acid substitution p.Ser129Gly. To our knowledge, this variant has not been reported in the literature or in a large population database (gnomAD), indicating this variant is rare. At this time, the clinical significance of this variant is uncertain due to the absence of conclusive functional and genetic evidence.

NM_001625.4(AK2):c.385A>G (p.Ser129Gly)

Gene: AK2 (adenylate kinase 2; minus strand). Cytogenetic location: 1p35.1.
Variant type: single nucleotide variant.
Coding change: c.385A>G on transcript NM_001625.4 (MANE Select); coding-DNA position 385, A replaced by G.
Protein change: p.Ser129Gly; replaces serine 129 with glycine.
Molecular consequence: missense variant. On other transcripts: intron variant (1).
Genome position (GRCh38, 1-based): chr1:33,021,407, T>C on the plus strand (A>G on the coding strand, the complement: AK2 is on the minus strand). VCF-style: chr1-33021407-T-C. GRCh37 (hg19) VCF-style: chr1-33487008-T-C.
Other names: c.385A>G, p.Ser129Gly (NM_001199199.3, NM_001319141.3, NM_013411.5); c.241A>G, p.Ser81Gly (NM_001319139.3, NM_001319140.2); c.259A>G, p.Ser87Gly (NM_001319142.3); c.330+186A>G (NM_001319143.2); short protein forms S87G, S81G, S129G.
Identifiers: ClinVar variation 5002420 (VCV005002420.1).